The following is an entry in ClinVar:

ClinVar aggregate classification (germline): Likely benign (1 of 4 stars; one submission).

Conditions:
Malignant hyperthermia, susceptibility to, 1 (MHS1). Also called: Anesthesia related hyperthermia; Malignant hyperpyrexia; Fulminating hyperpyrexia; Pharmacogenic myopathy; RYR1-Related Malignant Hyperthermia Susceptibility; Malignant hyperthermia suceptibility 1. Identifiers: Orphanet 423, MedGen C2930980, MONDO:0007783, OMIM 145600.

Submission:

All of Us Research Program, National Institutes of Health
Classification: Likely benign for Malignant hyperthermia, susceptibility to, 1. Last evaluated: 2023-05-16. Review status: criteria provided, single submitter. Criteria: ACMG Guidelines, 2015. Collection method: clinical testing. Allele origin: germline. Inheritance: Autosomal dominant inheritance. Observed: 1 variant allele, 1 heterozygote.
Comment: This study involves interpretation of variants in research participants for the purpose of population health screening. Participant phenotype was not available at the time of variant classification. Additional details can be found in publication PMID: 35346344, PMCID: PMC8962531

NM_000540.3(RYR1):c.4590C>T (p.Ala1530=)

Gene: RYR1 (ryanodine receptor 1; plus strand). Cytogenetic location: 19q13.2.
Variant type: single nucleotide variant.
Coding change: c.4590C>T on transcript NM_000540.3 (MANE Select); coding-DNA position 4590, C replaced by T.
Protein change: p.Ala1530=; no amino-acid change (alanine 1530 retained).
Molecular consequence: synonymous variant.
Genome position (GRCh38, 1-based): chr19:38,478,570, C>T. VCF-style: chr19-38478570-C-T. GRCh37 (hg19) VCF-style: chr19-38969210-C-T.
Other names: c.4590C>T, p.Ala1530= (NM_001042723.2).
Identifiers: ClinVar variation 3071207 (VCV003071207.1), dbSNP rs1968860678, ClinGen allele CA507237099.